The following is an entry in ClinVar:

NM_025099.6(CTC1):c.1077+1G>A

Gene: CTC1 (CST telomere replication complex component 1; minus strand). Cytogenetic location: 17p13.1.
Variant type: single nucleotide variant.
Coding change: c.1077+1G>A on transcript NM_025099.6 (MANE Select); the canonical splice donor site of the intron after coding-DNA position 1077, G replaced by A.
Molecular consequence: splice donor variant.
Genome position (GRCh38, 1-based): chr17:8,236,057, C>T on the plus strand (G>A on the coding strand, the complement: CTC1 is on the minus strand). VCF-style: chr17-8236057-C-T. GRCh37 (hg19) VCF-style: chr17-8139375-C-T.
Other names: c.1077+1G>A (NM_001411067.1).
Identifiers: ClinVar variation 3013666 (VCV003013666.3), dbSNP rs1987691332, ClinGen allele CA397987650.

ClinVar aggregate classification (germline): Likely pathogenic (1 of 4 stars; one submission).

Conditions:
Dyskeratosis congenita. Identifiers: Orphanet 1775, MedGen C0265965, MONDO:0015780.

Allele frequency attached by ClinVar (database versions not stated): TOPMed below 0.00001.

Submission:

Labcorp Genetics (formerly Invitae), Labcorp
Classification: Likely pathogenic for Dyskeratosis congenita. Last evaluated: 2023-07-22. Review status: criteria provided, single submitter. Criteria: Invitae Variant Classification Sherloc (09022015). Collection method: clinical testing. Allele origin: germline.
Comment: This sequence change affects a donor splice site in intron 6 of the CTC1 gene. It is expected to disrupt RNA splicing. Variants that disrupt the donor or acceptor splice site typically lead to a loss of protein function (PMID: 16199547), and loss-of-function variants in CTC1 are known to be pathogenic (PMID: 22267198, 22387016). This variant is not present in population databases (gnomAD no frequency). This variant has not been reported in the literature in individuals affected with CTC1-related conditions. Algorithms developed to predict the effect of sequence changes on RNA splicing suggest that this variant may disrupt the consensus splice site. In summary, the currently available evidence indicates that the variant is pathogenic, but additional data are needed to prove that conclusively. Therefore, this variant has been classified as Likely Pathogenic.

Literature cited by the submitters: PubMed 16199547; PubMed 22267198; PubMed 22387016.